The following is an entry in ClinVar:

ClinVar aggregate classification (germline): Likely benign. Review status: criteria provided, multiple submitters, no conflicts (2 of 4 stars). 4 submissions from 4 submitters: Likely benign (4). Last evaluated 2025-08-26.

Conditions:
Wolman disease (WOLD). Also called: Infantile-Onset LAL-D (Wolman Disease); LYSOSOMAL ACID LIPASE DEFICIENCY, ACUTE INFANTILE; LYSOSOMAL ACID LIPASE DEFICIENCY, COMPLETE; LIPA DEFICIENCY, COMPLETE; LAL DEFICIENCY, COMPLETE; CHOLESTEROL ESTER HYDROLASE DEFICIENCY, COMPLETE. Identifiers: Orphanet 75233, MedGen C0043208, MONDO:0019148, OMIM 620151.
LIPA-related disorder. Also called: LIPA-related disorders; LIPA-related condition.
Cardiovascular phenotype. Identifiers: MedGen CN230736.

Allele frequency attached by ClinVar (database versions not stated): gnomAD exomes below 0.00001; TOPMed 0.00003; gnomAD 0.00006 and 0.00007.
gnomAD v4.1: 9 of 1,614,088 alleles (0.00056%); highest among the groups gnomAD compares: African/African-American, 0.012%; no homozygotes.

Submissions (4):

Mayo Clinic Laboratories, Mayo Clinic
Classification: Likely benign. Last evaluated: 2025-08-26. Review status: criteria provided, single submitter. Criteria: ACMG Guidelines, 2015. Collection method: clinical testing. Allele origin: germline. Observed: 1 variant allele.
Comment: BP4, BP7

PreventionGenetics, part of Exact Sciences
Classification: Likely benign for LIPA-related condition. Last evaluated: 2025-08-14. Review status: criteria provided, single submitter. Criteria: ACMG Guidelines, 2015. Collection method: clinical testing. Allele origin: germline.
Comment: This variant is classified as likely benign based on ACMG/AMP sequence variant interpretation guidelines (Richards et al. 2015 PMID: 25741868, with internal and published modifications).

Labcorp Genetics (formerly Invitae), Labcorp
Classification: Likely benign for Wolman disease. Last evaluated: 2023-05-31. Review status: criteria provided, single submitter. Criteria: Invitae Variant Classification Sherloc (09022015). Collection method: clinical testing. Allele origin: germline.

Ambry Genetics
Classification: Likely benign for Cardiovascular phenotype. Last evaluated: 2023-04-05. Review status: criteria provided, single submitter. Criteria: Ambry Variant Classification Scheme 2023. Collection method: clinical testing. Allele origin: germline.

NM_000235.4(LIPA):c.265C>T (p.Leu89=)

Gene: LIPA (lipase A, lysosomal acid type; minus strand). Cytogenetic location: 10q23.31.
Variant type: single nucleotide variant.
Coding change: c.265C>T on transcript NM_000235.4 (MANE Select); coding-DNA position 265, C replaced by T.
Protein change: p.Leu89=; no amino-acid change (leucine 89 retained).
Molecular consequence: synonymous variant. On other transcripts: 5 prime UTR variant (1).
Genome position (GRCh38, 1-based): chr10:89,228,363, G>A on the plus strand (C>T on the coding strand, the complement: LIPA is on the minus strand). VCF-style: chr10-89228363-G-A. GRCh37 (hg19) VCF-style: chr10-90988120-G-A.
Other names: p.Leu89=; c.265C>T, p.Leu89= (NM_001127605.3); c.-84C>T (NM_001288979.2); c.265C>T (NM_000235.2).
Identifiers: ClinVar variation 753522 (VCV000753522.15), dbSNP rs1359982254, ClinGen allele CA470739327.